The following is an entry in ClinVar:

NM_030665.4(RAI1):c.64C>A (p.Gln22Lys)

Gene: RAI1 (retinoic acid induced 1; plus strand). Cytogenetic location: 17p11.2.
Variant type: single nucleotide variant.
Coding change: c.64C>A on transcript NM_030665.4 (MANE Select); coding-DNA position 64, C replaced by A.
Protein change: p.Gln22Lys; replaces glutamine 22 with lysine.
Molecular consequence: missense variant.
Genome position (GRCh38, 1-based): chr17:17,793,012, C>A. VCF-style: chr17-17793012-C-A. GRCh37 (hg19) VCF-style: chr17-17696326-C-A.
Other names: c.64C>A (NM_030665.3); short protein forms Q22K.
Identifiers: ClinVar variation 2054101 (VCV002054101.5), dbSNP rs1031886321, ClinGen allele CA288366756.

ClinVar aggregate classification (germline): Uncertain significance. Review status: criteria provided, multiple submitters, no conflicts (2 of 4 stars). 2 submissions from 2 submitters: Uncertain significance (2). Last evaluated 2025-09-24.

Conditions:
Inborn genetic diseases. Identifiers: MedGen C0950123, MeSH D030342.

Allele frequency attached by ClinVar (database versions not stated): gnomAD exomes 0.00001.
gnomAD v4.1: 8 of 1,614,152 alleles (0.0005%); highest among the groups gnomAD compares: Non-Finnish European, 0.00068%; no homozygotes.

Submissions (2):

Labcorp Genetics (formerly Invitae), Labcorp
Classification: Uncertain significance. Last evaluated: 2025-09-24. Review status: criteria provided, single submitter. Criteria: Invitae Variant Classification Sherloc (09022015). Collection method: clinical testing. Allele origin: germline.
Comment: This sequence change replaces glutamine, which is neutral and polar, with lysine, which is basic and polar, at codon 22 of the RAI1 protein (p.Gln22Lys). This variant is not present in population databases (gnomAD no frequency). This variant has not been reported in the literature in individuals affected with RAI1-related conditions. ClinVar contains an entry for this variant (Variation ID: 2054101). Invitae Evidence Modeling of protein sequence and biophysical properties (such as structural, functional, and spatial information, amino acid conservation, physicochemical variation, residue mobility, and thermodynamic stability) indicates that this missense variant is expected to disrupt RAI1 protein function with a positive predictive value of 80%. In summary, the available evidence is currently insufficient to determine the role of this variant in disease. Therefore, it has been classified as a Variant of Uncertain Significance.

Ambry Genetics
Classification: Uncertain significance for Inborn genetic diseases. Last evaluated: 2025-06-18. Review status: criteria provided, single submitter. Criteria: Ambry Variant Classification Scheme 2023. Collection method: clinical testing. Allele origin: germline.